The following is an entry in ClinVar:

NM_000026.4(ADSL):c.953C>T (p.Pro318Leu)

Gene: ADSL (adenylosuccinate lyase; plus strand). Cytogenetic location: 22q13.1.
Variant type: single nucleotide variant.
Coding change: c.953C>T on transcript NM_000026.4 (MANE Select); coding-DNA position 953, C replaced by T.
Protein change: p.Pro318Leu; replaces proline 318 with leucine.
Molecular consequence: missense variant. On other transcripts: non-coding transcript variant (1).
Genome position (GRCh38, 1-based): chr22:40,361,578, C>T. VCF-style: chr22-40361578-C-T. GRCh37 (hg19) VCF-style: chr22-40757582-C-T.
Other names: p.P318L:CCG>CTG; c.953C>T, p.Pro318Leu (NM_001123378.3, NM_001363840.3); c.761C>T, p.Pro254Leu (NM_001317923.2); c.953C>T (NM_000026.3); short protein forms P318L, P254L.
Identifiers: ClinVar variation 204792 (VCV000204792.29), dbSNP rs202064195, ClinGen allele CA313105.

ClinVar aggregate classification (germline): Pathogenic/Likely pathogenic. Review status: criteria provided, multiple submitters, no conflicts (2 of 4 stars). 7 submissions from 7 submitters: Pathogenic (1); Likely pathogenic (6). Last evaluated 2025-10-23.

Conditions:
ADSL-related disorder. Also called: ADSL-related condition.
Adenylosuccinate lyase deficiency (ADSLD). Also called: ADSL DEFICIENCY. Identifiers: Orphanet 46, MedGen C0268126, MONDO:0007068, OMIM 103050.

Allele frequency attached by ClinVar (database versions not stated): gnomAD 0.00001; TOPMed 0.00001; ExAC 0.00002; gnomAD exomes 0.00002 and 0.00009.
gnomAD v4.1: 137 of 1,614,052 alleles (0.0085%); highest among the groups gnomAD compares: Non-Finnish European, 0.011%; no homozygotes.

Submissions (7):

GeneDx
Classification: Likely pathogenic. Last evaluated: 2025-10-23. Review status: criteria provided, single submitter. Criteria: GeneDx Variant Classification Process June 2021. Collection method: clinical testing. Allele origin: germline. Affected: yes.
Comment: Not observed at significant frequency in large population cohorts (gnomAD); In silico analysis supports that this missense variant has a deleterious effect on protein structure/function; This variant is associated with the following publications: (PMID: 16839792, 12016589, 33648541)

PreventionGenetics, part of Exact Sciences
Classification: Likely pathogenic for ADSL-related condition. Last evaluated: 2025-08-08. Review status: criteria provided, single submitter. Criteria: ACMG Guidelines, 2015. Collection method: clinical testing. Allele origin: germline.
Comment: The ADSL c.953C>T variant is predicted to result in the amino acid substitution p.Pro318Leu. This variant has reported in two individuals with adenylosuccinate lyase deficiency (Marie et al. 2002. PubMed ID: 12016589; Mastrogiorgio et al. 2021. PubMed ID: 33648541). Experimental studies have shown this variant results in 10% and 28% of normal enzyme activity with SAICAR and S-AMP, respectively (Marie et al. 2002. PubMed ID: 12016589). This variant is reported in 0.0044% of alleles in individuals of European (Non-Finnish) descent in gnomAD. This variant is interpreted as likely pathogenic.

Labcorp Genetics (formerly Invitae), Labcorp
Classification: Pathogenic for Adenylosuccinate lyase deficiency. Last evaluated: 2025-07-09. Review status: criteria provided, single submitter. Criteria: Invitae Variant Classification Sherloc (09022015). Collection method: clinical testing. Allele origin: germline.
Comment: This sequence change replaces proline, which is neutral and non-polar, with leucine, which is neutral and non-polar, at codon 318 of the ADSL protein (p.Pro318Leu). This variant is present in population databases (rs202064195, gnomAD 0.004%). This missense change has been observed in individual(s) with adenylosuccinate lyase deficiency (PMID: 12016589, 33648541). In at least one individual the data is consistent with being in trans (on the opposite chromosome) from a pathogenic variant. ClinVar contains an entry for this variant (Variation ID: 204792). Invitae Evidence Modeling of protein sequence and biophysical properties (such as structural, functional, and spatial information, amino acid conservation, physicochemical variation, residue mobility, and thermodynamic stability) indicates that this missense variant is not expected to disrupt ADSL protein function with a negative predictive value of 80%. For these reasons, this variant has been classified as Pathogenic.

Women's Health and Genetics/Laboratory Corporation of America, LabCorp
Classification: Likely pathogenic for Adenylosuccinate lyase deficiency. Last evaluated: 2025-06-11. Review status: criteria provided, single submitter. Criteria: LabCorp Variant Classification Summary - May 2015. Collection method: clinical testing. Allele origin: germline.
Comment: Variant summary: ADSL c.953C>T (p.Pro318Leu) results in a non-conservative amino acid change in the encoded protein sequence. Algorithms developed to predict the effect of missense changes on protein structure and function all suggest that this variant is likely to be disruptive. The variant allele was found at a frequency of 2.4e-05 in 251444 control chromosomes. c.953C>T has been observed in two individuals affected with Adenylosuccinate Lyase Deficiency (Marie_2002, Mastrogiorgio_2021). These data indicate that the variant may be associated with disease. At least one publication reports experimental evidence evaluating an impact on protein function. The most pronounced variant effect results in less than 30% of normal activity (Marie_2002). The following publications have been ascertained in the context of this evaluation (PMID: 12016589, 33648541). ClinVar contains an entry for this variant (Variation ID: 204792). Based on the evidence outlined above, the variant was classified as likely pathogenic.

Blueprint Genetics
Classification: Likely pathogenic for ADSL-related disorders. Last evaluated: 2024-02-08. Review status: criteria provided, single submitter. Criteria: ACMG Guidelines, 2015. Collection method: clinical testing. Allele origin: germline. Affected: yes. Observed: 5 variant alleles.

Revvity Omics, Revvity
Classification: Likely pathogenic for Adenylosuccinate lyase deficiency. Last evaluated: 2019-12-12. Review status: criteria provided, single submitter. Criteria: ACMG Guidelines, 2015. Collection method: clinical testing. Allele origin: germline.

Genetic Services Laboratory, University of Chicago
Classification: Likely pathogenic for Adenylosuccinase deficiency. Last evaluated: 2017-04-04. Review status: criteria provided, single submitter. Criteria: ACMG Guidelines, 2015. Collection method: clinical testing. Allele origin: germline. Affected: yes.

Literature cited by the submitters: PubMed 12016589 (cited by Labcorp Genetics (formerly Invitae), Labcorp and Women's Health and Genetics/Laboratory Corporation of America, LabCorp); PubMed 33648541 (cited by Labcorp Genetics (formerly Invitae), Labcorp and Women's Health and Genetics/Laboratory Corporation of America, LabCorp).